The following is an entry in ClinVar:

ClinVar aggregate classification (germline): Uncertain significance. Review status: criteria provided, multiple submitters, no conflicts (2 of 4 stars). 2 submissions from 2 submitters: Uncertain significance (2). Last evaluated 2023-04-13.

Conditions:
ARHGEF28-related disorder. Also called: ARHGEF28-related condition.

Allele frequency attached by ClinVar (database versions not stated): gnomAD exomes 0.00002; ExAC 0.00003; gnomAD 0.00005; TOPMed 0.00005; ESP Exome Variant Server 0.00016.
gnomAD v4.1: 38 of 1,613,792 alleles (0.0024%); highest among the groups gnomAD compares: Non-Finnish European, 0.0032%; no homozygotes.

Submissions (2):

PreventionGenetics, part of Exact Sciences
Classification: Uncertain significance for ARHGEF28-related condition. Last evaluated: 2023-04-13. Review status: criteria provided, single submitter. Criteria: ACMG Guidelines, 2015. Collection method: clinical testing. Allele origin: germline.
Comment: The ARHGEF28 c.1282C>T variant is predicted to result in the amino acid substitution p.Pro428Ser. To our knowledge, this variant has not been reported in the literature. This variant is reported in 0.0062% of alleles in individuals of European (Non-Finnish) descent in gnomAD. At this time, the clinical significance of this variant is uncertain due to the absence of conclusive functional and genetic evidence.

Ambry Genetics
Classification: Uncertain significance. Last evaluated: 2021-08-16. Review status: criteria provided, single submitter. Criteria: Ambry Variant Classification Scheme 2023. Collection method: clinical testing. Allele origin: germline.

NM_001177693.2(ARHGEF28):c.1282C>T (p.Pro428Ser)

Gene: ARHGEF28 (Rho guanine nucleotide exchange factor 28; plus strand). Cytogenetic location: 5q13.2.
Variant type: single nucleotide variant.
Coding change: c.1282C>T on transcript NM_001177693.2 (MANE Select); coding-DNA position 1282, C replaced by T.
Protein change: p.Pro428Ser; replaces proline 428 with serine.
Molecular consequence: missense variant.
Genome position (GRCh38, 1-based): chr5:73,840,615, C>T. VCF-style: chr5-73840615-C-T. GRCh37 (hg19) VCF-style: chr5-73136440-C-T.
Other names: c.343C>T, p.Pro115Ser (NM_001244364.2); c.988C>T, p.Pro330Ser (NM_001388076.1); c.1282C>T, p.Pro428Ser (NM_001388078.1, NM_001080479.3); short protein forms P428S, P115S, P330S.
Identifiers: ClinVar variation 2205163 (VCV002205163.3), dbSNP rs369396839, ClinGen allele CA3304499.